The following is an entry in ClinVar:

ClinVar aggregate classification (germline): Likely benign (0 of 4 stars; one submission).

Conditions:
SNRPE-related disorder. Also called: SNRPE-related condition.

Allele frequency attached by ClinVar (database versions not stated): TOPMed 0.00004; gnomAD 0.00005; ESP Exome Variant Server 0.00008.
gnomAD v4.1: 10 of 1,603,066 alleles (0.00062%); highest among the groups gnomAD compares: African/African-American, 0.013%; no homozygotes.

Submission:

PreventionGenetics, part of Exact Sciences
Classification: Likely benign for SNRPE-related condition. Last evaluated: 2019-06-11. Review status: no assertion criteria provided. Collection method: clinical testing. Allele origin: germline.
Comment: This variant is classified as likely benign based on ACMG/AMP sequence variant interpretation guidelines (Richards et al. 2015 PMID: 25741868, with internal and published modifications).

NM_003094.4(SNRPE):c.54+10G>A

Genes: SNRPE (small nuclear ribonucleoprotein polypeptide E; plus strand), LOC112577531 (Sharpr-MPRA regulatory region 5904; plus strand). Cytogenetic location: 1q32.1.
Variant type: single nucleotide variant.
Coding change: c.54+10G>A on transcript NM_003094.4 (MANE Select); 10 bases into the intron after coding-DNA position 54, G replaced by A.
Molecular consequence: intron variant. On other transcripts: 5 prime UTR variant (1), non-coding transcript variant (1).
Genome position (GRCh38, 1-based): chr1:203,861,723, G>A. VCF-style: chr1-203861723-G-A. GRCh37 (hg19) VCF-style: chr1-203830851-G-A.
Other names: c.-5G>A (NM_001304464.2).
Identifiers: ClinVar variation 3033230 (VCV003033230.2), dbSNP rs368312879, ClinGen allele CA1343437.